The following is an entry in ClinVar:

ClinVar aggregate classification (germline): Uncertain significance (1 of 4 stars; one submission).

Conditions:
Progressive myoclonic epilepsy type 7. Identifiers: Orphanet 435438, MedGen C4015420, MONDO:0014521, OMIM 616187.

Allele frequency attached by ClinVar (database versions not stated): gnomAD 0.00001; TOPMed 0.00001.
gnomAD v4.1: 1 of 1,614,124 alleles (0.000062%); highest among the groups gnomAD compares: Non-Finnish European, 0.000085%; no homozygotes.

Submission:

Labcorp Genetics (formerly Invitae), Labcorp
Classification: Uncertain significance for Progressive myoclonic epilepsy type 7. Last evaluated: 2023-06-27. Review status: criteria provided, single submitter. Criteria: Invitae Variant Classification Sherloc (09022015). Collection method: clinical testing. Allele origin: germline.
Comment: Advanced modeling of protein sequence and biophysical properties (such as structural, functional, and spatial information, amino acid conservation, physicochemical variation, residue mobility, and thermodynamic stability) performed at Invitae indicates that this missense variant is not expected to disrupt KCNC1 protein function. In summary, the available evidence is currently insufficient to determine the role of this variant in disease. Therefore, it has been classified as a Variant of Uncertain Significance. ClinVar contains an entry for this variant (Variation ID: 1449720). This variant has not been reported in the literature in individuals affected with KCNC1-related conditions. This variant is not present in population databases (gnomAD no frequency). This sequence change replaces glutamic acid, which is acidic and polar, with lysine, which is basic and polar, at codon 223 of the KCNC1 protein (p.Glu223Lys).

NM_001112741.2(KCNC1):c.667G>A (p.Glu223Lys)

Gene: KCNC1 (potassium voltage-gated channel subfamily C member 1; plus strand). Cytogenetic location: 11p15.1.
Variant type: single nucleotide variant.
Coding change: c.667G>A on transcript NM_001112741.2 (MANE Select); coding-DNA position 667, G replaced by A.
Protein change: p.Glu223Lys; replaces glutamic acid 223 with lysine.
Molecular consequence: missense variant.
Genome position (GRCh38, 1-based): chr11:17,771,761, G>A. VCF-style: chr11-17771761-G-A. GRCh37 (hg19) VCF-style: chr11-17793308-G-A.
Other names: c.667G>A, p.Glu223Lys (NM_004976.4); short protein forms E223K.
Identifiers: ClinVar variation 1449720 (VCV001449720.6), dbSNP rs1849232122, ClinGen allele CA379805759.